The following is an entry in ClinVar:

NM_000045.4(ARG1):c.758C>T (p.Thr253Ile)

Genes: ARG1 (arginase 1; plus strand), MED23 (mediator complex subunit 23; minus strand). Cytogenetic location: 6q23.2.
Variant type: single nucleotide variant.
Coding change: c.758C>T on transcript NM_000045.4 (MANE Select); coding-DNA position 758, C replaced by T.
Protein change: p.Thr253Ile; replaces threonine 253 with isoleucine.
Molecular consequence: missense variant. On other transcripts: non-coding transcript variant (1), intron variant (2).
Genome position (GRCh38, 1-based): chr6:131,583,447, C>T. VCF-style: chr6-131583447-C-T. GRCh37 (hg19) VCF-style: chr6-131904587-C-T.
Other names: c.782C>T, p.Thr261Ile (NM_001244438.2); c.503C>T, p.Thr168Ile (NM_001369020.1); c.4077+4262G>A (NM_001270521.2); c.4095+4262G>A (NM_015979.4); short protein forms T168I, T261I, T253I.
Identifiers: ClinVar variation 1415788 (VCV001415788.8), dbSNP rs748924712, ClinGen allele CA3999362.

ClinVar aggregate classification (germline): Uncertain significance (1 of 4 stars; one submission).

Conditions:
Arginase deficiency. Also called: ARGININEMIA; ARG1 DEFICIENCY; Arginase 1 Deficiency. Identifiers: Orphanet 90, MedGen C0268548, MONDO:0008814, OMIM 207800.

Allele frequency attached by ClinVar (database versions not stated): gnomAD exomes below 0.00001 and 0.00001; TOPMed below 0.00001; ExAC 0.00001.
gnomAD v4.1: 2 of 1,614,110 alleles (0.00012%); highest among the groups gnomAD compares: Non-Finnish European, 0.00017%; no homozygotes.

Submission:

Labcorp Genetics (formerly Invitae), Labcorp
Classification: Uncertain significance for Arginase deficiency. Last evaluated: 2022-08-15. Review status: criteria provided, single submitter. Criteria: Invitae Variant Classification Sherloc (09022015). Collection method: clinical testing. Allele origin: germline.
Comment: ClinVar contains an entry for this variant (Variation ID: 1415788). This missense change has been observed in individual(s) with arginase deficiency (Invitae). This variant is present in population databases (rs748924712, gnomAD 0.002%). This sequence change replaces threonine, which is neutral and polar, with isoleucine, which is neutral and non-polar, at codon 253 of the ARG1 protein (p.Thr253Ile). Algorithms developed to predict the effect of missense changes on protein structure and function are either unavailable or do not agree on the potential impact of this missense change (SIFT: "Deleterious"; PolyPhen-2: "Possibly Damaging"; Align-GVGD: "Class C0"). In summary, the available evidence is currently insufficient to determine the role of this variant in disease. Therefore, it has been classified as a Variant of Uncertain Significance.